The following is an entry in ClinVar:

NM_001282225.2(ADA2):c.322+1G>A

Gene: ADA2 (adenosine deaminase 2; minus strand). Cytogenetic location: 22q11.1.
Variant type: single nucleotide variant.
Coding change: c.322+1G>A on transcript NM_001282225.2 (MANE Select); the canonical splice donor site of the intron after coding-DNA position 322, G replaced by A.
Molecular consequence: splice donor variant. On other transcripts: intron variant (1).
Genome position (GRCh38, 1-based): chr22:17,209,355, C>T on the plus strand (G>A on the coding strand, the complement: ADA2 is on the minus strand). VCF-style: chr22-17209355-C-T. GRCh37 (hg19) VCF-style: chr22-17690245-C-T.
Other names: c.196+1G>A (NM_001282227.2, NM_001282228.2); c.-38-2065G>A (NM_001282229.2); c.322+1G>A (NM_001282226.2).
Identifiers: ClinVar variation 3701930 (VCV003701930.2).

ClinVar aggregate classification (germline): Likely pathogenic (1 of 4 stars; one submission).

Conditions:
Deficiency of adenosine deaminase 2. Also called: Polyarteritis nodosa, childhoood-onset; Adenosine Deaminase 2 Deficiency; VASCULITIS, AUTOINFLAMMATION, IMMUNODEFICIENCY, AND HEMATOLOGIC DEFECTS SYNDROME. Identifiers: Orphanet 404553, MedGen C3887654, MONDO:0014306, OMIM 615688, MONDO:0100317.

gnomAD v4.1: 2 of 1,612,322 alleles (0.00012%); highest among the groups gnomAD compares: Non-Finnish European, 0.00017%; no homozygotes.

Submission:

Labcorp Genetics (formerly Invitae), Labcorp
Classification: Likely pathogenic for Deficiency of adenosine deaminase 2. Last evaluated: 2024-04-03. Review status: criteria provided, single submitter. Criteria: Invitae Variant Classification Sherloc (09022015). Collection method: clinical testing. Allele origin: germline.
Comment: This sequence change affects a donor splice site in intron 2 of the ADA2 gene. It is expected to disrupt RNA splicing. Variants that disrupt the donor or acceptor splice site typically lead to a loss of protein function (PMID: 16199547), and loss-of-function variants in ADA2 are known to be pathogenic (PMID: 24552284, 24552285). This variant is not present in population databases (gnomAD no frequency). This variant has not been reported in the literature in individuals affected with ADA2-related conditions. Algorithms developed to predict the effect of sequence changes on RNA splicing suggest that this variant may disrupt the consensus splice site. In summary, the currently available evidence indicates that the variant is pathogenic, but additional data are needed to prove that conclusively. Therefore, this variant has been classified as Likely Pathogenic.

Literature cited by the submitters: PubMed 16199547; PubMed 24552284; PubMed 24552285.